The following is an entry in ClinVar:

ClinVar aggregate classification (germline): Uncertain significance (1 of 4 stars; one submission).

Conditions:
Inborn genetic diseases. Identifiers: MedGen C0950123, MeSH D030342.

gnomAD v4.1: 5 of 1,613,608 alleles (0.00031%); highest among the groups gnomAD compares: East Asian, 0.0022%; no homozygotes.

Submission:

Ambry Genetics
Classification: Uncertain significance for Inborn genetic diseases. Last evaluated: 2025-12-09. Review status: criteria provided, single submitter. Criteria: Ambry Variant Classification Scheme 2023. Collection method: clinical testing. Allele origin: germline.
Comment: The c.9209C>T (p.A3070V) alteration is located in exon 50 (coding exon 49) of the VPS13B gene. This alteration results from a C to T substitution at nucleotide position 9209, causing the alanine (A) at amino acid position 3070 to be replaced by a valine (V). Based on data from gnomAD, the T allele has an overall frequency of 0.001% (2/282576) total alleles studied. The highest observed frequency was 0.005% (1/19936) of East Asian alleles. Based on insufficient or conflicting evidence, the clinical significance of this alteration remains unclear.

NM_152564.5(VPS13B):c.9134C>T (p.Ala3045Val)

Gene: VPS13B (vacuolar protein sorting 13 homolog B; plus strand). Cytogenetic location: 8q22.2.
Variant type: single nucleotide variant.
Coding change: c.9134C>T on transcript NM_152564.5 (MANE Select); coding-DNA position 9134, C replaced by T.
Protein change: p.Ala3045Val; replaces alanine 3045 with valine.
Molecular consequence: missense variant.
Genome position (GRCh38, 1-based): chr8:99,821,433, C>T. VCF-style: chr8-99821433-C-T. GRCh37 (hg19) VCF-style: chr8-100833661-C-T.
Other names: c.9209C>T, p.Ala3070Val (NM_017890.5); short protein forms A3045V, A3070V.
Identifiers: ClinVar variation 4634414 (VCV004634414.1).